The following is an entry in ClinVar:

ClinVar aggregate classification (germline): Uncertain significance. Review status: criteria provided, multiple submitters, no conflicts (2 of 4 stars). 2 submissions from 2 submitters: Uncertain significance (2). Last evaluated 2024-12-22.

Conditions:
Inborn genetic diseases. Identifiers: MedGen C0950123, MeSH D030342.
Methylmalonic aciduria, cblB type (MACB). Also called: METHYLMALONIC ACIDURIA, VITAMIN B12-RESPONSIVE, DUE TO DEFECT IN SYNTHESIS OF ADENOSYLCOBALAMIN, cblB TYPE; Methylmalonic acidemia cblB type; Vitamin B12-responsive methylmalonic acidemia type cblB. Identifiers: Orphanet 28, Orphanet 79311, MedGen C1855102, MONDO:0009614, OMIM 251110.

Allele frequency attached by ClinVar (database versions not stated): ExAC 0.00002; gnomAD 0.00004; TOPMed 0.00004; ESP Exome Variant Server 0.00008.

Submissions (2):

Ambry Genetics
Classification: Uncertain significance for Inborn genetic diseases. Last evaluated: 2024-12-22. Review status: criteria provided, single submitter. Criteria: Ambry Variant Classification Scheme 2023. Collection method: clinical testing. Allele origin: germline.

Labcorp Genetics (formerly Invitae), Labcorp
Classification: Uncertain significance for Methylmalonic aciduria, cblB type. Last evaluated: 2022-09-01. Review status: criteria provided, single submitter. Criteria: Invitae Variant Classification Sherloc (09022015). Collection method: clinical testing. Allele origin: germline.
Comment: This sequence change replaces lysine, which is basic and polar, with threonine, which is neutral and polar, at codon 230 of the MMAB protein (p.Lys230Thr). This variant is present in population databases (rs149041607, gnomAD 0.02%). This variant has not been reported in the literature in individuals affected with MMAB-related conditions. Advanced modeling of protein sequence and biophysical properties (such as structural, functional, and spatial information, amino acid conservation, physicochemical variation, residue mobility, and thermodynamic stability) performed at Invitae indicates that this missense variant is not expected to disrupt MMAB protein function. In summary, the available evidence is currently insufficient to determine the role of this variant in disease. Therefore, it has been classified as a Variant of Uncertain Significance.

NM_052845.4(MMAB):c.689A>C (p.Lys230Thr)

Gene: MMAB (metabolism of cobalamin associated B; minus strand). Cytogenetic location: 12q24.11.
Variant type: single nucleotide variant.
Coding change: c.689A>C on transcript NM_052845.4 (MANE Select); coding-DNA position 689, A replaced by C.
Protein change: p.Lys230Thr; replaces lysine 230 with threonine.
Molecular consequence: missense variant. On other transcripts: non-coding transcript variant (1).
Genome position (GRCh38, 1-based): chr12:109,557,092, T>G on the plus strand (A>C on the coding strand, the complement: MMAB is on the minus strand). VCF-style: chr12-109557092-T-G. GRCh37 (hg19) VCF-style: chr12-109994897-T-G.
Other names: c.689A>C (NM_052845.3); short protein forms K230T.
Identifiers: ClinVar variation 2143011 (VCV002143011.2), dbSNP rs149041607, ClinGen allele CA6778760.